The following is an entry in ClinVar:

NM_020699.4(GATAD2B):c.1763C>G (p.Ser588Cys)

Gene: GATAD2B (GATA zinc finger domain containing 2B; minus strand). Cytogenetic location: 1q21.3.
Variant type: single nucleotide variant.
Coding change: c.1763C>G on transcript NM_020699.4 (MANE Select); coding-DNA position 1763, C replaced by G.
Protein change: p.Ser588Cys; replaces serine 588 with cysteine.
Molecular consequence: missense variant.
Genome position (GRCh38, 1-based): chr1:153,810,196, G>C on the plus strand (C>G on the coding strand, the complement: GATAD2B is on the minus strand). VCF-style: chr1-153810196-G-C. GRCh37 (hg19) VCF-style: chr1-153782672-G-C.
Other names: short protein forms S588C.
Identifiers: ClinVar variation 2709791 (VCV002709791.3), dbSNP rs2525228612, ClinGen allele CA342580210.

ClinVar aggregate classification (germline): Uncertain significance (1 of 4 stars; one submission).

Submission:

Labcorp Genetics (formerly Invitae), Labcorp
Classification: Uncertain significance. Last evaluated: 2024-01-17. Review status: criteria provided, single submitter. Criteria: Invitae Variant Classification Sherloc (09022015). Collection method: clinical testing. Allele origin: germline.
Comment: This sequence change replaces serine, which is neutral and polar, with cysteine, which is neutral and slightly polar, at codon 588 of the GATAD2B protein (p.Ser588Cys). This variant is not present in population databases (gnomAD no frequency). This variant has not been reported in the literature in individuals affected with GATAD2B-related conditions. Advanced modeling of protein sequence and biophysical properties (such as structural, functional, and spatial information, amino acid conservation, physicochemical variation, residue mobility, and thermodynamic stability) performed at Invitae indicates that this missense variant is expected to disrupt GATAD2B protein function with a positive predictive value of 80%. In summary, the available evidence is currently insufficient to determine the role of this variant in disease. Therefore, it has been classified as a Variant of Uncertain Significance.